The following is an entry in ClinVar:

NM_016507.4(CDK12):c.1133G>A (p.Arg378His)

Gene: CDK12 (cyclin dependent kinase 12; plus strand). Cytogenetic location: 17q12.
Variant type: single nucleotide variant.
Coding change: c.1133G>A on transcript NM_016507.4 (MANE Select); coding-DNA position 1133, G replaced by A.
Protein change: p.Arg378His; replaces arginine 378 with histidine.
Molecular consequence: missense variant.
Genome position (GRCh38, 1-based): chr17:39,470,965, G>A. VCF-style: chr17-39470965-G-A. GRCh37 (hg19) VCF-style: chr17-37627218-G-A.
Other names: c.1133G>A, p.Arg378His (NM_015083.4); short protein forms R378H.
Identifiers: ClinVar variation 3830578 (VCV003830578.1).
Genomic context (GRCh38, chr17:39,470,965, plus strand): 5'-GAAGTCCTGCATATTCAAGACATTCATCTTCTCATAGTAAAAAGAAGAGATCCAGTTCAC[G>A]CAGTCGTCATTCCAGTATCTCACCTGTCAGGCTTCCACTTAATTCCAGTCTGGGAGCTGA-3'
Protein context (NP_057591.2, residues 368-388): SHSKKKRSSS[Arg378His]SRHSSISPVR

ClinVar aggregate classification (germline): Uncertain significance (1 of 4 stars; one submission).

gnomAD v4.1: 9 of 1,613,854 alleles (0.00056%); highest among the groups gnomAD compares: African/African-American, 0.0027%; 1 homozygote.

Submission:

Ambry Genetics
Classification: Uncertain significance. Last evaluated: 2025-01-30. Review status: criteria provided, single submitter. Criteria: Ambry Variant Classification Scheme 2023. Collection method: clinical testing. Allele origin: germline.
Comment: The p.R378H variant (also known as c.1133G>A), located in coding exon 2 of the CDK12 gene, results from a G to A substitution at nucleotide position 1133. The arginine at codon 378 is replaced by histidine, an amino acid with highly similar properties. This amino acid position is conserved. In addition, this alteration is predicted to be tolerated by in silico analysis. Based on the available evidence, the clinical significance of this variant remains unclear.